The following is an entry in ClinVar:

NM_005260.7(GDF9):c.1294del (p.Ile432fs)

Gene: GDF9 (growth differentiation factor 9; minus strand). Cytogenetic location: 5q31.1.
Variant type: Deletion.
Coding change: c.1294del on transcript NM_005260.7 (MANE Select); coding-DNA position 1294, one base deleted (A; older notation c.1294delA).
Protein change: p.Ile432fs; shifts the reading frame from isoleucine 432.
Molecular consequence: frameshift variant.
Genome position (GRCh38, 1-based): chr5:132,861,660, T deleted on the plus strand (A on the coding strand, the reverse complement: GDF9 is on the minus strand). VCF-style (leftmost placement, unchanged base first): chr5-132861659-AT-A. GRCh37 (hg19) VCF-style: chr5-132197351-AT-A.
Other names: c.1030del, p.Ile344fs (NM_001288824.4, NM_001288825.4, NM_001288826.3 and 2 more transcripts); short protein forms I344fs, I432fs.
Identifiers: ClinVar variation 4886250 (VCV004886250.2).
Genomic context (GRCh38, chr5:132,861,659, plus strand): 5'-GTGCACTTTGTAGCTATCATATCTTCGTACTCTTTATAGGCAATTGAGCCATCGGGCTCA[AT>A]GGTCAAAACACTCAAGGGGCTGTATTTGGCAGGTACACATGACGGTCTTGGCACTGAGGA-3'

ClinVar aggregate classification (germline): Uncertain significance (1 of 4 stars; one submission).

Submission:

Dasa
Classification: Uncertain significance. Last evaluated: 2025-12-15. Review status: criteria provided, single submitter. Criteria: DASA Assertion Criteria. Collection method: clinical testing. Allele origin: germline.
Comment: NM_005260.7(GDF9):c.1294del (p.Ile432Leufs*15) is a frameshift variant in GDF9 predicted to alter the reading frame and introduce a premature termination codon and is predicted to result in an absent or altered protein product. This variant is rare in population databases. The currently available literature and clinical evidence are not sufficient to establish a definitive association between this variant and the reported condition. Therefore, this variant is classified as a variant of uncertain significance.